The following is an entry in ClinVar:

ClinVar aggregate classification (germline): Uncertain significance (1 of 4 stars; one submission).

Submission:

GeneDx
Classification: Uncertain significance. Last evaluated: 2023-10-03. Review status: criteria provided, single submitter. Criteria: GeneDx Variant Classification Process June 2021. Collection method: clinical testing. Allele origin: germline. Affected: yes.
Comment: In silico analysis supports that this missense variant has a deleterious effect on protein structure/function; Not observed at significant frequency in large population cohorts (gnomAD); Has not been previously published as pathogenic or benign to our knowledge

NM_182641.4(BPTF):c.1027G>T (p.Val343Phe)

Gene: BPTF (bromodomain PHD finger transcription factor; plus strand). Cytogenetic location: 17q24.2.
Variant type: single nucleotide variant.
Coding change: c.1027G>T on transcript NM_182641.4 (MANE Select); coding-DNA position 1027, G replaced by T.
Protein change: p.Val343Phe; replaces valine 343 with phenylalanine.
Molecular consequence: missense variant.
Genome position (GRCh38, 1-based): chr17:67,854,353, G>T. VCF-style: chr17-67854353-G-T. GRCh37 (hg19) VCF-style: chr17-65850469-G-T.
Other names: c.1027G>T, p.Val343Phe (NM_004459.7); short protein forms V343F.
Identifiers: ClinVar variation 3252417 (VCV003252417.1), dbSNP rs200853934.